The following is an entry in ClinVar:

NM_025265.4(TSEN2):c.499G>C (p.Gly167Arg)

Gene: TSEN2 (tRNA splicing endonuclease subunit 2; plus strand). Cytogenetic location: 3p25.2.
Variant type: single nucleotide variant.
Coding change: c.499G>C on transcript NM_025265.4 (MANE Select); coding-DNA position 499, G replaced by C.
Protein change: p.Gly167Arg; replaces glycine 167 with arginine.
Molecular consequence: missense variant. On other transcripts: non-coding transcript variant (1).
Genome position (GRCh38, 1-based): chr3:12,503,452, G>C. VCF-style: chr3-12503452-G-C. GRCh37 (hg19) VCF-style: chr3-12544951-G-C.
Other names: c.499G>C, p.Gly167Arg (NM_001145392.2, NM_001145393.3, NM_001145394.2 and 3 more transcripts); short protein forms G167R.
Identifiers: ClinVar variation 2806594 (VCV002806594.3), dbSNP rs2054504083, ClinGen allele CA351470989.
Genomic context (GRCh38, chr3:12,503,452, plus strand): 5'-GCTCAAGTGCATGACAAGCTTAACTCTGGAATGGTTTCCAACATGGAAGGCACAGCAGGG[G>C]GAGAGAGACCTTCTGTGGTAAACGGGGACTCTGGAAAGTCAGGTGGTGTGGGTGATCCCC-3'
Protein context (NP_079541.1, residues 157-177): MVSNMEGTAG[Gly167Arg]ERPSVVNGDS

ClinVar aggregate classification (germline): Uncertain significance (1 of 4 stars; one submission).

Allele frequency attached by ClinVar (database versions not stated): gnomAD exomes below 0.00001.
gnomAD v4.1: 1 of 1,614,246 alleles (0.000062%); highest among the groups gnomAD compares: South Asian, 0.0011%; no homozygotes.

Submission:

Labcorp Genetics (formerly Invitae), Labcorp
Classification: Uncertain significance. Last evaluated: 2025-12-08. Review status: criteria provided, single submitter. Criteria: Invitae Variant Classification Sherloc (09022015). Collection method: clinical testing. Allele origin: germline.
Comment: This sequence change replaces glycine, which is neutral and non-polar, with arginine, which is basic and polar, at codon 167 of the TSEN2 protein (p.Gly167Arg). This variant is not present in population databases (gnomAD no frequency). This variant has not been reported in the literature in individuals affected with TSEN2-related conditions. ClinVar contains an entry for this variant (Variation ID: 2806594). Invitae Evidence Modeling of protein sequence and biophysical properties (such as structural, functional, and spatial information, amino acid conservation, physicochemical variation, residue mobility, and thermodynamic stability) indicates that this missense variant is not expected to disrupt TSEN2 protein function with a negative predictive value of 80%. In summary, the available evidence is currently insufficient to determine the role of this variant in disease. Therefore, it has been classified as a Variant of Uncertain Significance.